The following is an entry in ClinVar:

ClinVar aggregate classification (germline): Uncertain significance. Review status: criteria provided, multiple submitters, no conflicts (2 of 4 stars). 4 submissions from 4 submitters: Uncertain significance (3). 1 of the submissions does not count toward it. Last evaluated 2023-10-04.

Conditions:
Primary ciliary dyskinesia. Also called: Ciliary dyskinesia. Identifiers: Orphanet 244, MedGen C0008780, MONDO:0016575, HP:0012265.

Allele frequency attached by ClinVar (database versions not stated): ExAC 0.00003; gnomAD exomes 0.00003 and 0.00004; gnomAD 0.00004 and 0.00005; TOPMed 0.00004; ESP Exome Variant Server 0.00008; 1000 Genomes Project 0.00020; 1000 Genomes Project 30x 0.00031.
gnomAD v4.1: 57 of 1,614,068 alleles (0.0035%); highest among the groups gnomAD compares: Admixed American, 0.018%; no homozygotes.

Submissions (4):

Ambry Genetics
Classification: Uncertain significance for Primary ciliary dyskinesia. Last evaluated: 2023-10-04. Review status: criteria provided, single submitter. Criteria: Ambry Variant Classification Scheme 2023. Collection method: clinical testing. Allele origin: germline.

Labcorp Genetics (formerly Invitae), Labcorp
Classification: Uncertain significance for Primary ciliary dyskinesia. Last evaluated: 2021-08-28. Review status: criteria provided, single submitter. Criteria: Invitae Variant Classification Sherloc (09022015). Collection method: clinical testing. Allele origin: germline.
Comment: This sequence change replaces proline with arginine at codon 112 of the DNAI1 protein (p.Pro112Arg). The proline residue is moderately conserved and there is a moderate physicochemical difference between proline and arginine. This variant is present in population databases (rs201313023, ExAC 0.02%). This variant has not been reported in the literature in individuals affected with DNAI1-related conditions. Algorithms developed to predict the effect of missense changes on protein structure and function (SIFT, PolyPhen-2, Align-GVGD) all suggest that this variant is likely to be tolerated. In summary, the available evidence is currently insufficient to determine the role of this variant in disease. Therefore, it has been classified as a Variant of Uncertain Significance.

UNC Molecular Genetics  Laboratory, University of North Carolina at Chapel Hill
Classification: Uncertain significance for Primary ciliary dyskinesia. Last evaluated: 2019-01-14. Review status: criteria provided, single submitter. Criteria: ACMG Guidelines, 2015. Collection method: clinical testing. Allele origin: germline. Observed: 1 heterozygote.

Natera, Inc.
Classification: Uncertain significance for Primary ciliary dyskinesia. Last evaluated: 2019-10-28. Review status: no assertion criteria provided. Collection method: clinical testing. Allele origin: germline. Not counted in ClinVar's aggregate classification.

NM_012144.4(DNAI1):c.335C>G (p.Pro112Arg)

Gene: DNAI1 (dynein axonemal intermediate chain 1; plus strand). Cytogenetic location: 9p13.3.
Variant type: single nucleotide variant.
Coding change: c.335C>G on transcript NM_012144.4 (MANE Select); coding-DNA position 335, C replaced by G.
Protein change: p.Pro112Arg; replaces proline 112 with arginine.
Molecular consequence: missense variant.
Genome position (GRCh38, 1-based): chr9:34,489,396, C>G. VCF-style: chr9-34489396-C-G. GRCh37 (hg19) VCF-style: chr9-34489394-C-G.
Other names: c.335C>G (NM_012144.2); c.335C>G, p.Pro112Arg (NM_001281428.2); short protein forms P112R.
Identifiers: ClinVar variation 454835 (VCV000454835.10), dbSNP rs201313023, ClinGen allele CA5034013.